The following is an entry in ClinVar:

NM_001367479.1(DNAH14):c.976-12T>C

Gene: DNAH14 (dynein axonemal heavy chain 14; plus strand). Cytogenetic location: 1q42.12.
Variant type: single nucleotide variant.
Coding change: c.976-12T>C on transcript NM_001367479.1 (MANE Select); 12 bases into the intron before coding-DNA position 976, T replaced by C.
Molecular consequence: intron variant.
Genome position (GRCh38, 1-based): chr1:225,007,401, T>C. VCF-style: chr1-225007401-T-C. GRCh37 (hg19) VCF-style: chr1-225195103-T-C.
Other names: c.976-12T>C (NM_001145154.3); c.907-12T>C (NM_001349911.2).
Identifiers: ClinVar variation 4976596 (VCV004976596.1).

ClinVar aggregate classification (germline): Uncertain significance (1 of 4 stars; one submission).

Submission:

GeneDx
Classification: Uncertain significance. Last evaluated: 2026-02-14. Review status: criteria provided, single submitter. Criteria: GeneDx Variant Classification Process June 2021. Collection method: clinical testing. Allele origin: germline.
Comment: Not observed at significant frequency in large population cohorts (gnomAD); Has not been previously published as pathogenic or benign to our knowledge; In silico analysis is inconclusive as to whether the variant alters gene splicing. In the absence of RNA/functional studies, the actual effect of this sequence change is unknown.